The following is an entry in ClinVar:

NM_006440.5(TXNRD2):c.172+3A>G

Gene: TXNRD2 (thioredoxin reductase 2; minus strand). Cytogenetic location: 22q11.21.
Variant type: single nucleotide variant.
Coding change: c.172+3A>G on transcript NM_006440.5 (MANE Select); 3 bases into the intron after coding-DNA position 172, A replaced by G.
Molecular consequence: intron variant.
Genome position (GRCh38, 1-based): chr22:19,931,027, T>C on the plus strand (A>G on the coding strand, the complement: TXNRD2 is on the minus strand). VCF-style: chr22-19931027-T-C. GRCh37 (hg19) VCF-style: chr22-19918550-T-C.
Other names: c.169+3A>G (NM_001352300.2); c.-117+3A>G (NM_001352302.2); c.82+3A>G (NM_001352301.2); c.172+3A>G (NM_001282512.3); c.76+3A>G (NM_001352303.2).
Identifiers: ClinVar variation 646057 (VCV000646057.10), dbSNP rs923193498, ClinGen allele CA322108226.

ClinVar aggregate classification (germline): Uncertain significance. Review status: criteria provided, multiple submitters, no conflicts (2 of 4 stars). 3 submissions from 3 submitters: Uncertain significance (3). Last evaluated 2024-11-26.

Conditions:
Cardiovascular phenotype. Identifiers: MedGen CN230736.
Primary dilated cardiomyopathy (DCM). Also called: Dilated Cardiomyopathy. Identifiers: Orphanet 217604, MedGen C0007193, MeSH D002311, MONDO:0005021, HP:0001644. Inheritance: Various modes of inheritance.

Allele frequency attached by ClinVar (database versions not stated): gnomAD 0.00001; gnomAD exomes 0.00001; TOPMed 0.00001.
gnomAD v4.1: 9 of 1,612,236 alleles (0.00056%); highest among the groups gnomAD compares: African/African-American, 0.0013%; no homozygotes.

Submissions (3):

GeneDx
Classification: Uncertain significance. Last evaluated: 2024-11-26. Review status: criteria provided, single submitter. Criteria: GeneDx Variant Classification Process June 2021. Collection method: clinical testing. Allele origin: germline. Affected: yes.
Comment: Not observed at significant frequency in large population cohorts (gnomAD); In silico analysis supports a deleterious effect on splicing; Has not been previously published as pathogenic or benign to our knowledge

Ambry Genetics
Classification: Uncertain significance for Cardiovascular phenotype. Last evaluated: 2022-04-29. Review status: criteria provided, single submitter. Criteria: Ambry Variant Classification Scheme 2023. Collection method: clinical testing. Allele origin: germline.
Comment: The c.172+3A>G intronic variant results from an A to G substitution 3 nucleotides after coding exon 2 in the TXNRD2 gene. This nucleotide position is highly conserved in available vertebrate species. In silico splice site analysis predicts that this alteration will weaken the native splice donor site. The evidence for this gene-disease relationship is limited; therefore, the clinical significance of this alteration is unclear.

Labcorp Genetics (formerly Invitae), Labcorp
Classification: Uncertain significance for Primary dilated cardiomyopathy. Last evaluated: 2018-12-14. Review status: criteria provided, single submitter. Criteria: Invitae Variant Classification Sherloc (09022015). Collection method: clinical testing. Allele origin: germline.
Comment: This sequence change falls in intron 2 of the TXNRD2 gene. It does not directly change the encoded amino acid sequence of the TXNRD2 protein, but it affects a nucleotide within the consensus splice site of the intron. This variant is not present in population databases (ExAC no frequency). In summary, the available evidence is currently insufficient to determine the role of this variant in disease. Therefore, it has been classified as a Variant of Uncertain Significance. Nucleotide substitutions within the consensus splice site are a relatively common cause of aberrant splicing (PMID: 17576681, 9536098). Algorithms developed to predict the effect of sequence changes on RNA splicing suggest that this variant may disrupt the consensus splice site, but this prediction has not been confirmed by published transcriptional studies. This variant has not been reported in the literature in individuals with TXNRD2-related conditions.

Literature cited by the submitters: PubMed 17576681 (cited by Labcorp Genetics (formerly Invitae), Labcorp); PubMed 9536098 (cited by Labcorp Genetics (formerly Invitae), Labcorp).